The following is an entry in ClinVar:

ClinVar aggregate classification (germline): Uncertain significance (1 of 4 stars; one submission).

Conditions:
Arrhythmogenic right ventricular dysplasia 13. Also called: ARRHYTHMOGENIC RIGHT VENTRICULAR CARDIOMYOPATHY 13; Arrhythmogenic right ventricular dysplasia, familial, 13. Identifiers: MedGen C3810138, MONDO:0000908, OMIM 615616.

gnomAD v4.1: 11 of 1,613,864 alleles (0.00068%); highest among the groups gnomAD compares: Non-Finnish European, 0.00093%; no homozygotes.

Submission:

Labcorp Genetics (formerly Invitae), Labcorp
Classification: Uncertain significance for Arrhythmogenic right ventricular dysplasia 13. Last evaluated: 2024-01-07. Review status: criteria provided, single submitter. Criteria: Invitae Variant Classification Sherloc (09022015). Collection method: clinical testing. Allele origin: germline.
Comment: This sequence change replaces valine, which is neutral and non-polar, with phenylalanine, which is neutral and non-polar, at codon 122 of the CTNNA3 protein (p.Val122Phe). This variant is present in population databases (no rsID available, gnomAD 0.002%). This variant has not been reported in the literature in individuals affected with CTNNA3-related conditions. Advanced modeling of protein sequence and biophysical properties (such as structural, functional, and spatial information, amino acid conservation, physicochemical variation, residue mobility, and thermodynamic stability) performed at Invitae indicates that this missense variant is expected to disrupt CTNNA3 protein function with a positive predictive value of 80%. In summary, the available evidence is currently insufficient to determine the role of this variant in disease. Therefore, it has been classified as a Variant of Uncertain Significance.

NM_013266.4(CTNNA3):c.364G>T (p.Val122Phe)

Gene: CTNNA3 (catenin alpha 3; minus strand). Cytogenetic location: 10q21.3.
Variant type: single nucleotide variant.
Coding change: c.364G>T on transcript NM_013266.4 (MANE Select); coding-DNA position 364, G replaced by T.
Protein change: p.Val122Phe; replaces valine 122 with phenylalanine.
Molecular consequence: missense variant.
Genome position (GRCh38, 1-based): chr10:67,539,598, C>A on the plus strand (G>T on the coding strand, the complement: CTNNA3 is on the minus strand). VCF-style: chr10-67539598-C-A. GRCh37 (hg19) VCF-style: chr10-69299356-C-A.
Other names: c.364G>T, p.Val122Phe (NM_001127384.3); c.400G>T, p.Val134Phe (NM_001291133.2); short protein forms V122F, V134F.
Identifiers: ClinVar variation 2727752 (VCV002727752.3), dbSNP rs1214983162, ClinGen allele CA377097894.